The following is an entry in ClinVar:

ClinVar aggregate classification (germline): Uncertain significance (1 of 4 stars; one submission).

Allele frequency attached by ClinVar (database versions not stated): TOPMed below 0.00001.
gnomAD v4.1: 2 of 1,614,192 alleles (0.00012%); highest among the groups gnomAD compares: Non-Finnish European, 0.00017%; no homozygotes.

Submission:

Ambry Genetics
Classification: Uncertain significance. Last evaluated: 2021-08-11. Review status: criteria provided, single submitter. Criteria: Ambry Variant Classification Scheme 2023. Collection method: clinical testing. Allele origin: germline.
Comment: The p.R1416M variant (also known as c.4247G>T), located in coding exon 4 of the ALPK2 gene, results from a G to T substitution at nucleotide position 4247. The arginine at codon 1416 is replaced by methionine, an amino acid with similar properties. This amino acid position is conserved. In addition, this alteration is predicted to be tolerated by in silico analysis. Since supporting evidence is limited at this time, the clinical significance of this alteration remains unclear.

NM_052947.4(ALPK2):c.4247G>T (p.Arg1416Met)

Genes: ALPK2 (alpha kinase 2; minus strand), LOC126862764 (BRD4-independent group 4 enhancer GRCh37_chr18:56202574-56203773; plus strand). Cytogenetic location: 18q21.31.
Variant type: single nucleotide variant.
Coding change: c.4247G>T on transcript NM_052947.4 (MANE Select); coding-DNA position 4247, G replaced by T.
Protein change: p.Arg1416Met; replaces arginine 1416 with methionine.
Molecular consequence: missense variant.
Genome position (GRCh38, 1-based): chr18:58,535,940, C>A on the plus strand (G>T on the coding strand, the complement: ALPK2 is on the minus strand). VCF-style: chr18-58535940-C-A. GRCh37 (hg19) VCF-style: chr18-56203172-C-A.
Other names: short protein forms R1416M.
Identifiers: ClinVar variation 1739039 (VCV001739039.2), dbSNP rs1171003188, ClinGen allele CA402563509.